The following is an entry in ClinVar:

ClinVar aggregate classification (germline): Pathogenic/Likely pathogenic. Review status: criteria provided, multiple submitters, no conflicts (2 of 4 stars). 9 submissions from 9 submitters: Pathogenic (2); Likely pathogenic (6). 1 of the submissions does not count toward it. Last evaluated 2026-09-02.

Conditions:
CEP152-related disorder. Also called: CEP152-related disorders; CEP152-related condition. Identifiers: MedGen CN239248.
Microcephaly 9, primary, autosomal recessive. Identifiers: Orphanet 2512, MedGen C3553886, MONDO:0013923, OMIM 614852.
Seckel syndrome 5 (SCKL5). Identifiers: Orphanet 808, MedGen C3151187, MONDO:0013443, OMIM 613823.

Allele frequency attached by ClinVar (database versions not stated): gnomAD exomes 0.00001 and 0.00002; TOPMed 0.00001; ExAC 0.00002; ESP Exome Variant Server 0.00008.
gnomAD v4.1: 13 of 1,614,074 alleles (0.00081%); highest among the groups gnomAD compares: Non-Finnish European, 0.001%; no homozygotes.

Submissions (9):

GeneDx
Classification: Likely pathogenic. Last evaluated: 2026-09-02. Review status: criteria provided, single submitter. Criteria: GeneDx Variant Classification Process June 2021. Collection method: clinical testing. Allele origin: germline.
Comment: In silico analysis supports that this missense variant has a deleterious effect on protein structure/function; Not observed at significant frequency in large population cohorts (gnomAD); This variant is associated with the following publications: (PMID: 20598275, 23456457, 21668957, 30086807)

Labcorp Genetics (formerly Invitae), Labcorp
Classification: Likely pathogenic. Last evaluated: 2025-08-24. Review status: criteria provided, single submitter. Criteria: Invitae Variant Classification Sherloc (09022015). Collection method: clinical testing. Allele origin: germline.
Comment: This sequence change replaces glutamine, which is neutral and polar, with proline, which is neutral and non-polar, at codon 265 of the CEP152 protein (p.Gln265Pro). This variant is present in population databases (rs267606717, gnomAD 0.003%). This missense change has been observed in individual(s) with primary microcephaly (PMID: 20598275). In at least one individual the data is consistent with being in trans (on the opposite chromosome) from a pathogenic variant. ClinVar contains an entry for this variant (Variation ID: 55). Invitae Evidence Modeling of protein sequence and biophysical properties (such as structural, functional, and spatial information, amino acid conservation, physicochemical variation, residue mobility, and thermodynamic stability) has been performed for this missense variant. However, the output from this modeling did not meet the statistical confidence thresholds required to predict the impact of this variant on CEP152 protein function. In summary, the currently available evidence indicates that the variant is pathogenic, but additional data are needed to prove that conclusively. Therefore, this variant has been classified as Likely Pathogenic.

Women's Health and Genetics/Laboratory Corporation of America, LabCorp
Classification: Likely pathogenic for CEP152-related disorder. Last evaluated: 2025-06-19. Review status: criteria provided, single submitter. Criteria: LabCorp Variant Classification Summary - May 2015. Collection method: clinical testing. Allele origin: germline.
Comment: Variant summary: CEP152 c.794A>C (p.Gln265Pro) results in a non-conservative amino acid change in the encoded protein sequence. Algorithms developed to predict the effect of missense changes on protein structure and function all suggest that this variant is likely to be disruptive. The variant allele was found at a frequency of 1.2e-05 in 249462 control chromosomes (gnomAD). c.794A>C has been observed in individuals affected with microcephaly (Guernsey_2010). These data indicate that the variant is likely to be associated with disease. To our knowledge, no experimental evidence demonstrating an impact on protein function has been reported. The following publication has been ascertained in the context of this evaluation (PMID: 20598275). ClinVar contains an entry for this variant (Variation ID: 55). Based on the evidence outlined above, the variant was classified as likely pathogenic.

Blueprint Genetics
Classification: Pathogenic for CEP152-related disorders. Last evaluated: 2024-08-28. Review status: criteria provided, single submitter. Criteria: ACMG Guidelines, 2015. Collection method: clinical testing. Allele origin: germline. Affected: yes. Observed: 5 variant alleles.

Department of Pathology and Laboratory Medicine, Sinai Health System
Classification: Likely pathogenic for Microcephaly 9, primary, autosomal recessive; Seckel syndrome 5. Last evaluated: 2022-05-06. Review status: criteria provided, single submitter. Criteria: ACMG Guidelines, 2015. Collection method: research. Allele origin: germline.

Fulgent Genetics
Classification: Pathogenic for Seckel syndrome 5; Microcephaly 9, primary, autosomal recessive. Last evaluated: 2018-10-31. Review status: criteria provided, single submitter. Criteria: ACMG Guidelines, 2015. Collection method: clinical testing. Allele origin: unknown.

Illumina Laboratory Services, Illumina
Classification: Likely pathogenic for CEP152-Related Disorders. Last evaluated: 2017-09-01. Review status: criteria provided, single submitter. Criteria: ICSL Variant Classification Criteria 09 May 2019. Collection method: clinical testing. Allele origin: germline.
Comment: The CEP152 c.794A>C (p.Gln265Pro) missense variant has been reported in one study in which it was found in three individuals with microcephaly, with head circumferences between five and seven standard deviations below the mean, including in two individuals in a homozygous state and in one individual in a compound heterozygous state with a null variant on the second allele (Guernsey et al. 2010). The p.Gln265Pro variant was found in a heterozygous state in each of the unaffected parents of the affected individuals. The p.Gln265Pro variant was absent from 496 control chromosomes including 310 local Maritime control chromosomes and 186 European control chromosomes from the Centre d'Etude du Polymorphisme Humain (CEPH) (Guernsey et al. 2010). The variant is reported at a frequency of 0.000027 in the European (non-Finnish) population of the Genome Aggregation Database. Transfection of the variant protein into human U2OS osteosarcoma-derived cells did not affect localization, with the variant protein being found in the centrosomes similarly to wild type. However, the Gln265 residue is highly conserved among vertebrates and is predicted to fall in a coiled-coiled region predicted to be disrupted by substitution of a proline residue (Guernsey et al. 2010). Based on the evidence, the c.794A>C (p.Gln265Pro) variant is classified as likely pathogenic for CEP152-related disorders. This variant was observed by ICSL as part of a predisposition screen in an ostensibly healthy population.

Genetic Services Laboratory, University of Chicago
Classification: Likely pathogenic for Microcephaly 9, primary, autosomal recessive. Last evaluated: 2014-07-24. Review status: criteria provided, single submitter. Criteria: ACMG Guidelines, 2015. Collection method: clinical testing. Allele origin: germline. Inheritance: Autosomal recessive inheritance. Affected: yes.

OMIM
Classification: Pathogenic for MICROCEPHALY 9, PRIMARY, AUTOSOMAL RECESSIVE. Last evaluated: 2010-07-09. Review status: no assertion criteria provided. Collection method: literature only. Allele origin: germline. Not counted in ClinVar's aggregate classification.

Literature cited by the submitters: PubMed 20598275 (cited by 4 submitters).

NM_001194998.2(CEP152):c.794A>C (p.Gln265Pro)

Gene: CEP152 (centrosomal protein 152; minus strand). Cytogenetic location: 15q21.1.
Variant type: single nucleotide variant.
Coding change: c.794A>C on transcript NM_001194998.2 (MANE Select); coding-DNA position 794, A replaced by C.
Protein change: p.Gln265Pro; replaces glutamine 265 with proline.
Molecular consequence: missense variant.
Genome position (GRCh38, 1-based): chr15:48,793,359, T>G on the plus strand (A>C on the coding strand, the complement: CEP152 is on the minus strand). VCF-style: chr15-48793359-T-G. GRCh37 (hg19) VCF-style: chr15-49085556-T-G.
Other names: c.794A>C, p.Gln265Pro (NM_014985.4); short protein forms Q265P.
Identifiers: ClinVar variation 55 (VCV000000055.19), dbSNP rs267606717, ClinGen allele CA210936.